The following is an entry in ClinVar:

ClinVar aggregate classification (germline): Conflicting classifications of pathogenicity. Review status: criteria provided, conflicting classifications (1 of 4 stars). 3 submissions from 3 submitters: Likely pathogenic (1); Uncertain significance (2). Last evaluated 2025-06-13.

Conditions:
Developmental and epileptic encephalopathy 94 (DEE94). Also called: Epileptic encephalopathy, childhood-onset; CHD2-Related Neurodevelopmental Disorders. Identifiers: Orphanet 1942, Orphanet 2382, MedGen C3809278, MONDO:0014150, OMIM 615369.

Submissions (3):

GeneDx
Classification: Uncertain significance. Last evaluated: 2025-06-13. Review status: criteria provided, single submitter. Criteria: GeneDx Variant Classification Process June 2021. Collection method: clinical testing. Allele origin: germline. Affected: yes.
Comment: Not observed at significant frequency in large population cohorts (gnomAD); In silico analysis suggests that this missense variant does not alter protein structure/function; Has not been previously published as pathogenic or benign to our knowledge

Labcorp Genetics (formerly Invitae), Labcorp
Classification: Uncertain significance for Developmental and epileptic encephalopathy 94. Last evaluated: 2022-08-31. Review status: criteria provided, single submitter. Criteria: Invitae Variant Classification Sherloc (09022015). Collection method: clinical testing. Allele origin: germline.
Comment: In summary, the available evidence is currently insufficient to determine the role of this variant in disease. Therefore, it has been classified as a Variant of Uncertain Significance. Advanced modeling of protein sequence and biophysical properties (such as structural, functional, and spatial information, amino acid conservation, physicochemical variation, residue mobility, and thermodynamic stability) performed at Invitae indicates that this missense variant is not expected to disrupt CHD2 protein function. ClinVar contains an entry for this variant (Variation ID: 411854). This variant has not been reported in the literature in individuals affected with CHD2-related conditions. This sequence change replaces lysine, which is basic and polar, with glutamic acid, which is acidic and polar, at codon 390 of the CHD2 protein (p.Lys390Glu). This variant is not present in population databases (gnomAD no frequency).

Mendelics
Classification: Likely pathogenic for Developmental and epileptic encephalopathy 94. Last evaluated: 2019-05-28. Review status: criteria provided, single submitter. Criteria: Mendelics Assertion Criteria 2017. Collection method: clinical testing. Allele origin: unknown.

NM_001271.4(CHD2):c.1168A>G (p.Lys390Glu)

Gene: CHD2 (chromodomain helicase DNA binding protein 2; plus strand). Cytogenetic location: 15q26.1.
Variant type: single nucleotide variant.
Coding change: c.1168A>G on transcript NM_001271.4 (MANE Select); coding-DNA position 1168, A replaced by G.
Protein change: p.Lys390Glu; replaces lysine 390 with glutamic acid.
Molecular consequence: missense variant.
Genome position (GRCh38, 1-based): chr15:92,945,835, A>G. VCF-style: chr15-92945835-A-G. GRCh37 (hg19) VCF-style: chr15-93489065-A-G.
Other names: c.1168A>G, p.Lys390Glu (NM_001042572.3); short protein forms K390E.
Identifiers: ClinVar variation 411854 (VCV000411854.10), dbSNP rs1060503519, ClinGen allele CA16614627.